The following is an entry in ClinVar:

NM_000313.4(PROS1):c.947G>C (p.Arg316Pro)

Gene: PROS1 (protein S; minus strand). Cytogenetic location: 3q11.1.
Variant type: single nucleotide variant.
Coding change: c.947G>C on transcript NM_000313.4 (MANE Select); coding-DNA position 947, G replaced by C.
Protein change: p.Arg316Pro; replaces arginine 316 with proline.
Molecular consequence: missense variant.
Genome position (GRCh38, 1-based): chr3:93,896,594, C>G on the plus strand (G>C on the coding strand, the complement: PROS1 is on the minus strand). VCF-style: chr3-93896594-C-G. GRCh37 (hg19) VCF-style: chr3-93615438-C-G.
Other names: c.1043G>C, p.Arg348Pro (NM_001314077.2); short protein forms R316P, R348P.
Identifiers: ClinVar variation 3645316 (VCV003645316.2).

ClinVar aggregate classification (germline): Uncertain significance (1 of 4 stars; one submission).

Conditions:
Thrombophilia due to protein S deficiency, autosomal recessive (THPH6). Identifiers: Orphanet 743, MedGen C3281092, MONDO:0013791, OMIM 614514. Disease mechanism: loss of function.

Submission:

Labcorp Genetics (formerly Invitae), Labcorp
Classification: Uncertain significance for Thrombophilia due to protein S deficiency, autosomal recessive. Last evaluated: 2024-03-10. Review status: criteria provided, single submitter. Criteria: Invitae Variant Classification Sherloc (09022015). Collection method: clinical testing. Allele origin: germline.
Comment: This sequence change replaces arginine, which is basic and polar, with proline, which is neutral and non-polar, at codon 316 of the PROS1 protein (p.Arg316Pro). This variant is not present in population databases (gnomAD no frequency). This variant has not been reported in the literature in individuals affected with PROS1-related conditions. Advanced modeling of protein sequence and biophysical properties (such as structural, functional, and spatial information, amino acid conservation, physicochemical variation, residue mobility, and thermodynamic stability) performed at Invitae indicates that this missense variant is not expected to disrupt PROS1 protein function with a negative predictive value of 80%. In summary, the available evidence is currently insufficient to determine the role of this variant in disease. Therefore, it has been classified as a Variant of Uncertain Significance.